The following is an entry in ClinVar:

NM_002838.5(PTPRC):c.1321C>A (p.Leu441Met)

Gene: PTPRC (protein tyrosine phosphatase receptor type C; plus strand). Cytogenetic location: 1q32.1.
Variant type: single nucleotide variant.
Coding change: c.1321C>A on transcript NM_002838.5 (MANE Select); coding-DNA position 1321, C replaced by A.
Protein change: p.Leu441Met; replaces leucine 441 with methionine.
Molecular consequence: missense variant.
Genome position (GRCh38, 1-based): chr1:198,716,711, C>A. VCF-style: chr1-198716711-C-A. GRCh37 (hg19) VCF-style: chr1-198685840-C-A.
Other names: c.838C>A, p.Leu280Met (NM_080921.4); short protein forms L441M, L280M.
Identifiers: ClinVar variation 581540 (VCV000581540.9), dbSNP rs375608198, ClinGen allele CA344037251.

ClinVar aggregate classification (germline): Uncertain significance (1 of 4 stars; one submission).

Conditions:
Immunodeficiency 104. Also called: IMMUNODEFICIENCY 104, SEVERE COMBINED; Severe combined immunodeficiency, autosomal recessive, T cell-negative, B cell-positive, NK cell-positive; Severe Combined Immune Deficiency, Autosomal Recessive, TCell -Negative, B Cell-Positive, NK Cell-Positive, IL7R-Related; SCID, AUTOSOMAL RECESSIVE, T CELL-NEGATIVE, B CELL-POSITIVE, NK CELL-POSITIVE. Identifiers: MedGen C5676890, MONDO:0012163, OMIM 608971.

Submission:

Labcorp Genetics (formerly Invitae), Labcorp
Classification: Uncertain significance for Immunodeficiency 104. Last evaluated: 2018-04-05. Review status: criteria provided, single submitter. Criteria: Invitae Variant Classification Sherloc (09022015). Collection method: clinical testing. Allele origin: germline.
Comment: In summary, the available evidence is currently insufficient to determine the role of this variant in disease. Therefore, it has been classified as a Variant of Uncertain Significance. Algorithms developed to predict the effect of missense changes on protein structure and function output the following: SIFT: "Tolerated"; PolyPhen-2: "Benign"; Align-GVGD: "Class C0". The methionine amino acid residue is found in multiple mammalian species, suggesting that this missense change does not adversely affect protein function. These predictions have not been confirmed by published functional studies and their clinical significance is uncertain. This variant has not been reported in the literature in individuals with PTPRC-related disease. This variant is not present in population databases (ExAC no frequency). This sequence change replaces leucine with methionine at codon 441 of the PTPRC protein (p.Leu441Met). The leucine residue is weakly conserved and there is a small physicochemical difference between leucine and methionine.